The following is an entry in ClinVar:

ClinVar aggregate classification (germline): Uncertain significance (1 of 4 stars; one submission).

Conditions:
KBG syndrome (KBGS). Also called: ANKRD11-Related KBG Syndrome. Identifiers: Orphanet 2332, MedGen C0220687, MONDO:0007846, OMIM 148050.

gnomAD v4.1: 6 of 1,598,862 alleles (0.00038%); highest among the groups gnomAD compares: African/African-American, 0.0027%; no homozygotes.

Submission:

Labcorp Genetics (formerly Invitae), Labcorp
Classification: Uncertain significance for KBG syndrome. Last evaluated: 2025-04-17. Review status: criteria provided, single submitter. Criteria: Invitae Variant Classification Sherloc (09022015). Collection method: clinical testing. Allele origin: germline.
Comment: This sequence change replaces proline, which is neutral and non-polar, with leucine, which is neutral and non-polar, at codon 1877 of the ANKRD11 protein (p.Pro1877Leu). This variant is present in population databases (rs768249075, gnomAD 0.004%). This variant has not been reported in the literature in individuals affected with ANKRD11-related conditions. Invitae Evidence Modeling of protein sequence and biophysical properties (such as structural, functional, and spatial information, amino acid conservation, physicochemical variation, residue mobility, and thermodynamic stability) indicates that this missense variant is not expected to disrupt ANKRD11 protein function with a negative predictive value of 95%. In summary, the available evidence is currently insufficient to determine the role of this variant in disease. Therefore, it has been classified as a Variant of Uncertain Significance.

NM_013275.6(ANKRD11):c.5630C>T (p.Pro1877Leu)

Gene: ANKRD11 (ankyrin repeat domain 11; minus strand). Cytogenetic location: 16q24.3.
Variant type: single nucleotide variant.
Coding change: c.5630C>T on transcript NM_013275.6 (MANE Select); coding-DNA position 5630, C replaced by T.
Protein change: p.Pro1877Leu; replaces proline 1877 with leucine.
Molecular consequence: missense variant.
Genome position (GRCh38, 1-based): chr16:89,280,912, G>A on the plus strand (C>T on the coding strand, the complement: ANKRD11 is on the minus strand). VCF-style: chr16-89280912-G-A. GRCh37 (hg19) VCF-style: chr16-89347320-G-A.
Other names: c.5630C>T, p.Pro1877Leu (NM_001256182.2, NM_001256183.2); short protein forms P1877L.
Identifiers: ClinVar variation 4738341 (VCV004738341.1).